The following is an entry in ClinVar:

ClinVar aggregate classification (germline): Uncertain significance (1 of 4 stars; one submission).

Conditions:
POMC-related disorder. Also called: POMC-related disorders; POMC-related condition.

Submission:

PreventionGenetics, part of Exact Sciences
Classification: Uncertain significance for POMC-related condition. Last evaluated: 2026-06-27. Review status: criteria provided, single submitter. Criteria: ACMG Guidelines, 2015. Collection method: clinical testing. Allele origin: germline.
Comment: The POMC c.740delA variant is predicted to result in a frameshift and premature protein termination (p.Gln247Argfs*5). To our knowledge, this variant has not been reported in the literature or in a large population database, indicating this variant is rare. This variant is located in the last exon and close to the stop codon. Although we suspect that this variant may be pathogenic, at this time, the clinical significance of this variant is uncertain due to the absence of conclusive functional and genetic evidence.

NM_000939.4(POMC):c.740del (p.Gln247fs)

Gene: POMC (proopiomelanocortin; minus strand). Cytogenetic location: 2p23.3.
Variant type: Deletion.
Coding change: c.740del on transcript NM_000939.4 (MANE Select); coding-DNA position 740, one base deleted (A; older notation c.740delA).
Protein change: p.Gln247fs; shifts the reading frame from glutamine 247.
Molecular consequence: frameshift variant.
Genome position (GRCh38, 1-based): chr2:25,161,145, T deleted on the plus strand (A on the coding strand, the reverse complement: POMC is on the minus strand). VCF-style (leftmost placement, unchanged base first): chr2-25161144-CT-C. GRCh37 (hg19) VCF-style: chr2-25384013-CT-C.
Other names: c.740del, p.Gln247fs (NM_001035256.3, NM_001319204.2, NM_001319205.2); short protein forms Q247fs.
Identifiers: ClinVar variation 3354379 (VCV003354379.2).